The following is an entry in ClinVar:

NM_001080467.3(MYO5B):c.2945AGG[2] (p.Glu984del)

Gene: MYO5B (myosin VB; minus strand). Cytogenetic location: 18q21.1.
Variant type: Microsatellite.
Coding change: c.2945AGG[2] on transcript NM_001080467.3 (MANE Select); two copies in a row of the 3-base unit AGG starting at c.2945; the reference has three copies in a row; one copy, 3 bases deleted.
Protein change: p.Glu984del; deletes glutamic acid 984.
Molecular consequence: inframe deletion.
Genome position (GRCh38, 1-based): chr18:49,895,033-49,895,035, CCT deleted on the plus strand (AGG on the coding strand, the reverse complement: MYO5B is on the minus strand); deleting any 3 consecutive bases within chr18:49,895,033-49,895,041 gives the same sequence; the position shown is the placement nearest the transcript's 3' end. VCF-style (leftmost placement, unchanged base first): chr18-49895032-ACCT-A. GRCh37 (hg19) VCF-style: chr18-47421402-ACCT-A.
Other names: short protein forms E984del.
Identifiers: ClinVar variation 1508072 (VCV001508072.6), dbSNP rs757039495, ClinGen allele CA299976956.
Genomic context (GRCh38, chr18:49,895,032, plus strand): 5'-GCGTCCTCCAAGATCTTGCGCTCCGAGTGGGCCCTCTGCAGCTCTGTGCGCAGGCTCTCC[ACCT>A]CCTCCTGCAGCCTGAGGCTGGTGTCCTCACCTGGGCTCTGCTGGTAGTGCACCAGCTCCT-3'

ClinVar aggregate classification (germline): Uncertain significance (1 of 4 stars; one submission).

Submission:

Labcorp Genetics (formerly Invitae), Labcorp
Classification: Uncertain significance. Last evaluated: 2023-10-09. Review status: criteria provided, single submitter. Criteria: Invitae Variant Classification Sherloc (09022015). Collection method: clinical testing. Allele origin: germline.
Comment: This variant, c.2951_2953del, results in the deletion of 1 amino acid(s) of the MYO5B protein (p.Glu984del), but otherwise preserves the integrity of the reading frame. This variant is present in population databases (rs757039495, gnomAD 0.01%). This variant has not been reported in the literature in individuals affected with MYO5B-related conditions. Experimental studies and prediction algorithms are not available or were not evaluated, and the functional significance of this variant is currently unknown. In summary, the available evidence is currently insufficient to determine the role of this variant in disease. Therefore, it has been classified as a Variant of Uncertain Significance.